The following is an entry in ClinVar:

NM_000080.4(CHRNE):c.1016C>T (p.Ser339Phe)

Gene: CHRNE (cholinergic receptor nicotinic epsilon subunit; minus strand). Cytogenetic location: 17p13.2.
Variant type: single nucleotide variant.
Coding change: c.1016C>T on transcript NM_000080.4 (MANE Select); coding-DNA position 1016, C replaced by T.
Protein change: p.Ser339Phe; replaces serine 339 with phenylalanine.
Molecular consequence: missense variant.
Genome position (GRCh38, 1-based): chr17:4,899,484, G>A on the plus strand (C>T on the coding strand, the complement: CHRNE is on the minus strand). VCF-style: chr17-4899484-G-A. GRCh37 (hg19) VCF-style: chr17-4802779-G-A.
Other names: short protein forms S339F.
Identifiers: ClinVar variation 2911559 (VCV002911559.3), dbSNP rs1332740871, ClinGen allele CA397300810.

ClinVar aggregate classification (germline): Uncertain significance (1 of 4 stars; one submission).

Conditions:
Congenital myasthenic syndrome 4A. Also called: Myasthenic syndrome, congenital, 4a, slow-channel; CONGENITAL MYASTHENIC SYNDROME TYPE Ia1; MYASTHENIC SYNDROME, CONGENITAL, 4A, SLOW-CHANNEL, AUTOSOMAL RECESSIVE. Identifiers: Orphanet 590, MedGen C4225413, MONDO:0011600, OMIM 605809.

gnomAD v4.1: 2 of 1,599,100 alleles (0.00013%); highest among the groups gnomAD compares: East Asian, 0.0023%; no homozygotes.

Submission:

Labcorp Genetics (formerly Invitae), Labcorp
Classification: Uncertain significance for Congenital myasthenic syndrome 4A. Last evaluated: 2023-12-02. Review status: criteria provided, single submitter. Criteria: Invitae Variant Classification Sherloc (09022015). Collection method: clinical testing. Allele origin: germline.
Comment: This sequence change replaces serine, which is neutral and polar, with phenylalanine, which is neutral and non-polar, at codon 339 of the CHRNE protein (p.Ser339Phe). This variant is not present in population databases (gnomAD no frequency). This variant has not been reported in the literature in individuals affected with CHRNE-related conditions. Advanced modeling of protein sequence and biophysical properties (such as structural, functional, and spatial information, amino acid conservation, physicochemical variation, residue mobility, and thermodynamic stability) performed at Invitae indicates that this missense variant is expected to disrupt CHRNE protein function with a positive predictive value of 95%. In summary, the available evidence is currently insufficient to determine the role of this variant in disease. Therefore, it has been classified as a Variant of Uncertain Significance.